The following is an entry in ClinVar:

ClinVar aggregate classification (germline): Uncertain significance. Review status: criteria provided, multiple submitters, no conflicts (2 of 4 stars). 3 submissions from 3 submitters: Uncertain significance (3). Last evaluated 2025-07-12.

Conditions:
Inborn genetic diseases. Identifiers: MedGen C0950123, MeSH D030342.
Hermansky-Pudlak syndrome 5 (HPS5). Identifiers: Orphanet 231512, Orphanet 79430, MedGen C3888004, MONDO:0013557, OMIM 614074.

Allele frequency attached by ClinVar (database versions not stated): ExAC 0.00001; gnomAD exomes 0.00001 and 0.00006; TOPMed 0.00003; gnomAD 0.00004.
gnomAD v4.1: 88 of 1,613,972 alleles (0.0055%); highest among the groups gnomAD compares: Non-Finnish European, 0.0068%; no homozygotes.

Submissions (3):

Ambry Genetics
Classification: Uncertain significance for Inborn genetic diseases. Last evaluated: 2025-07-12. Review status: criteria provided, single submitter. Criteria: Ambry Variant Classification Scheme 2023. Collection method: clinical testing. Allele origin: germline.

Labcorp Genetics (formerly Invitae), Labcorp
Classification: Uncertain significance. Last evaluated: 2022-08-13. Review status: criteria provided, single submitter. Criteria: Invitae Variant Classification Sherloc (09022015). Collection method: clinical testing. Allele origin: germline.
Comment: This sequence change replaces arginine, which is basic and polar, with tryptophan, which is neutral and slightly polar, at codon 1122 of the HPS5 protein (p.Arg1122Trp). This variant is present in population databases (rs754189788, gnomAD 0.002%). This variant has not been reported in the literature in individuals affected with HPS5-related conditions. ClinVar contains an entry for this variant (Variation ID: 880516). Algorithms developed to predict the effect of missense changes on protein structure and function are either unavailable or do not agree on the potential impact of this missense change (SIFT: "Deleterious"; PolyPhen-2: "Probably Damaging"; Align-GVGD: "Class C0"). In summary, the available evidence is currently insufficient to determine the role of this variant in disease. Therefore, it has been classified as a Variant of Uncertain Significance.

Illumina Laboratory Services, Illumina
Classification: Uncertain significance for Hermansky-Pudlak syndrome 5. Last evaluated: 2018-01-13. Review status: criteria provided, single submitter. Criteria: ICSL Variant Classification Criteria 13 December 2019. Collection method: clinical testing. Allele origin: germline.

NM_181507.2(HPS5):c.3364C>T (p.Arg1122Trp)

Gene: HPS5 (HPS5 biogenesis of lysosomal organelles complex 2 subunit 2; minus strand). Cytogenetic location: 11p15.1.
Variant type: single nucleotide variant.
Coding change: c.3364C>T on transcript NM_181507.2 (MANE Select); coding-DNA position 3364, C replaced by T.
Protein change: p.Arg1122Trp; replaces arginine 1122 with tryptophan.
Molecular consequence: missense variant.
Genome position (GRCh38, 1-based): chr11:18,279,908, G>A on the plus strand (C>T on the coding strand, the complement: HPS5 is on the minus strand). VCF-style: chr11-18279908-G-A. GRCh37 (hg19) VCF-style: chr11-18301455-G-A.
Other names: c.3022C>T, p.Arg1008Trp (NM_181508.2, NM_007216.4); short protein forms R1008W, R1122W.
Identifiers: ClinVar variation 880516 (VCV000880516.7), dbSNP rs754189788, ClinGen allele CA5909572.
Genomic context (GRCh38, chr11:18,279,908, plus strand): 5'-AAAATGTCATGACATCCTGCTGAATCTTCTCCCACTAGGCCTGCTGGGACCAGAGAAACC[G>A]ATCGCATTTTTCAAGCATGCTTTGTATCAAGGCCCTGAAATCCCAAAGAAAAGAAACAAG-3'
Protein context (NP_852608.1, residues 1112-1129): LIQSMLEKCD[Arg1122Trp]FLWSQQA